The following is an entry in ClinVar:

NM_003072.5(SMARCA4):c.907A>G (p.Ile303Val)

Gene: SMARCA4 (SWI/SNF related BAF chromatin remodeling complex subunit ATPase 4; plus strand). Cytogenetic location: 19p13.2.
Variant type: single nucleotide variant.
Coding change: c.907A>G on transcript NM_003072.5 (MANE Select); coding-DNA position 907, A replaced by G.
Protein change: p.Ile303Val; replaces isoleucine 303 with valine.
Molecular consequence: missense variant. On other transcripts: non-coding transcript variant (1).
Genome position (GRCh38, 1-based): chr19:10,987,713, A>G. VCF-style: chr19-10987713-A-G. GRCh37 (hg19) VCF-style: chr19-11098389-A-G.
Other names: c.907A>G, p.Ile303Val (NM_001128844.3, NM_001128845.2, NM_001128846.2 and 6 more transcripts); short protein forms I303V.
Identifiers: ClinVar variation 1895719 (VCV001895719.5), dbSNP rs2145815154, ClinGen allele CA404058439.

ClinVar aggregate classification (germline): Uncertain significance (1 of 4 stars; one submission).

Conditions:
Rhabdoid tumor predisposition syndrome 2 (RTPS2). Identifiers: Orphanet 231108, Orphanet 69077, MedGen C2750074, MONDO:0013224, OMIM 613325.

Submission:

Labcorp Genetics (formerly Invitae), Labcorp
Classification: Uncertain significance for Rhabdoid tumor predisposition syndrome 2. Last evaluated: 2022-08-21. Review status: criteria provided, single submitter. Criteria: Invitae Variant Classification Sherloc (09022015). Collection method: clinical testing. Allele origin: germline.
Comment: This variant has not been reported in the literature in individuals affected with SMARCA4-related conditions. This variant is not present in population databases (gnomAD no frequency). This sequence change replaces isoleucine, which is neutral and non-polar, with valine, which is neutral and non-polar, at codon 303 of the SMARCA4 protein (p.Ile303Val). Algorithms developed to predict the effect of missense changes on protein structure and function are either unavailable or do not agree on the potential impact of this missense change (SIFT: "Deleterious"; PolyPhen-2: "Benign"; Align-GVGD: "Class C25"). In summary, the available evidence is currently insufficient to determine the role of this variant in disease. Therefore, it has been classified as a Variant of Uncertain Significance.